The following is an entry in ClinVar:

ClinVar aggregate classification (germline): Uncertain significance (1 of 4 stars; one submission).

Conditions:
Hereditary breast ovarian cancer syndrome. Also called: Hereditary breast and ovarian cancer syndrome; Hereditary breast and ovarian cancer syndrome (HBOC); BRCA1- and BRCA2-Associated Hereditary Breast and Ovarian Cancer; Hereditary breast and ovarian cancer; Breast and ovarian cancer; Hereditary breast and/or ovarian cancer syndrome. Identifiers: Orphanet 145, MedGen C0677776, MeSH D061325, MONDO:0003582. Disease mechanism: loss of function.

Submission:

Labcorp Genetics (formerly Invitae), Labcorp
Classification: Uncertain significance for Hereditary breast ovarian cancer syndrome. Last evaluated: 2024-10-27. Review status: criteria provided, single submitter. Criteria: Invitae Variant Classification Sherloc (09022015). Collection method: clinical testing. Allele origin: germline.
Comment: This sequence change replaces methionine, which is neutral and non-polar, with leucine, which is neutral and non-polar, at codon 1272 of the BRCA2 protein (p.Met1272Leu). This variant is not present in population databases (gnomAD no frequency). This missense change has been observed in individual(s) with breast cancer (PMID: 16949048, 17100994). Invitae Evidence Modeling of protein sequence and biophysical properties (such as structural, functional, and spatial information, amino acid conservation, physicochemical variation, residue mobility, and thermodynamic stability) indicates that this missense variant is not expected to disrupt BRCA2 protein function with a negative predictive value of 95%. In summary, the available evidence is currently insufficient to determine the role of this variant in disease. Therefore, it has been classified as a Variant of Uncertain Significance.

Literature cited by the submitters: PubMed 16949048; PubMed 17100994.

NM_000059.4(BRCA2):c.3814A>C (p.Met1272Leu)

Gene: BRCA2 (BRCA2 DNA repair associated; plus strand). Cytogenetic location: 13q13.1.
Variant type: single nucleotide variant.
Coding change: c.3814A>C on transcript NM_000059.4 (MANE Select); coding-DNA position 3814, A replaced by C.
Protein change: p.Met1272Leu; replaces methionine 1272 with leucine.
Molecular consequence: missense variant. On other transcripts: non-coding transcript variant (1), intron variant (2).
Genome position (GRCh38, 1-based): chr13:32,338,169, A>C. VCF-style: chr13-32338169-A-C. GRCh37 (hg19) VCF-style: chr13-32912306-A-C.
Other names: c.3814A>C, p.Met1272Leu (NM_001406719.1, NM_001406720.1, NM_001432077.1); c.1909+4782A>C (NM_001406721.1); c.425-6389A>C (NM_001406722.1); short protein forms M1272L.
Identifiers: ClinVar variation 3636467 (VCV003636467.2).
Genomic context (GRCh38, chr13:32,338,169, plus strand): 5'-TCTGCAGAGGTACATCCAATAAGTTTATCTTCAAGTAAATGTCATGATTCTGTTGTTTCA[A>C]TGTTTAAGATAGAAAATCATAATGATAAAACTGTAAGTGAAAAAAATAATAAATGCCAAC-3'
Protein context (NP_000050.3, residues 1262-1282): SSKCHDSVVS[Met1272Leu]FKIENHNDKT